The following is an entry in ClinVar:

NM_012433.4(SF3B1):c.1419A>G (p.Gln473=)

Gene: SF3B1 (splicing factor 3b subunit 1; minus strand). Cytogenetic location: 2q33.1.
Variant type: single nucleotide variant.
Coding change: c.1419A>G on transcript NM_012433.4 (MANE Select); coding-DNA position 1419, A replaced by G.
Protein change: p.Gln473=; no amino-acid change (glutamine 473 retained).
Molecular consequence: synonymous variant.
Genome position (GRCh38, 1-based): chr2:197,405,293, T>C on the plus strand (A>G on the coding strand, the complement: SF3B1 is on the minus strand). VCF-style: chr2-197405293-T-C. GRCh37 (hg19) VCF-style: chr2-198270017-T-C.
Identifiers: ClinVar variation 717177 (VCV000717177.7), dbSNP rs35493573, ClinGen allele CA2042737.

ClinVar aggregate classification (germline): Benign. Review status: criteria provided, multiple submitters, no conflicts (2 of 4 stars). 3 submissions from 3 submitters: Benign (2). 1 of the submissions does not count toward it. Last evaluated 2019-12-31.

Conditions:
SF3B1-related disorder. Also called: SF3B1-related condition.

Allele frequency attached by ClinVar (database versions not stated): ESP Exome Variant Server 0.00246; TOPMed 0.00283; gnomAD 0.00285 and 0.00405; gnomAD exomes 0.00488 and 0.00702; ExAC 0.00773; 1000 Genomes Project 30x 0.01312; 1000 Genomes Project 0.01358.
gnomAD v4.1: 7,792 of 1,612,878 alleles (0.48%); highest among the groups gnomAD compares: South Asian, 3.8%; 124 homozygotes.

Submissions (3):

Labcorp Genetics (formerly Invitae), Labcorp
Classification: Benign. Last evaluated: 2019-12-31. Review status: criteria provided, single submitter. Criteria: Invitae Variant Classification Sherloc (09022015). Collection method: clinical testing. Allele origin: germline.

Breakthrough Genomics
Classification: Benign. Review status: criteria provided, single submitter. Criteria: ACMG Guidelines, 2015. Collection method: not provided. Allele origin: germline. Inheritance: Unknown mechanism. Affected: yes.

PreventionGenetics, part of Exact Sciences
Classification: Likely benign for SF3B1-related condition. Last evaluated: 2020-02-26. Review status: no assertion criteria provided. Collection method: clinical testing. Allele origin: germline. Not counted in ClinVar's aggregate classification.
Comment: This variant is classified as likely benign based on ACMG/AMP sequence variant interpretation guidelines (Richards et al. 2015 PMID: 25741868, with internal and published modifications).